The following is an entry in ClinVar:

NM_001244008.2(KIF1A):c.3817-5G>A

Genes: KIF1A (kinesin family member 1A; minus strand), LOC126806583 (P300/CBP strongly-dependent group 1 enhancer GRCh37_chr2:241678910-241680109; plus strand). Cytogenetic location: 2q37.3.
Variant type: single nucleotide variant.
Coding change: c.3817-5G>A on transcript NM_001244008.2 (MANE Select); 5 bases into the intron before coding-DNA position 3817, G replaced by A.
Molecular consequence: intron variant.
Genome position (GRCh38, 1-based): chr2:240,740,147, C>T on the plus strand (G>A on the coding strand, the complement: KIF1A is on the minus strand). VCF-style: chr2-240740147-C-T. GRCh37 (hg19) VCF-style: chr2-241679564-C-T.
Other names: c.3514-5G>A (NM_001379653.1, NM_001379650.1, NM_001379641.1 and 5 more transcripts); c.3790-5G>A (NM_001379645.1, NM_001379633.1, NM_001379642.1); c.3616-5G>A (NM_001379635.1, NM_001330290.2, NM_001379646.1 and 1 more transcripts); c.3511-5G>A (NM_001379640.1); c.3766-5G>A (NM_001379632.1); c.3589-5G>A (NM_001379637.1, NM_001379648.1); c.3541-5G>A (NM_001320705.2, NM_001379638.1, NM_001330289.2); c.3892-5G>A (NM_001379631.1).
Identifiers: ClinVar variation 3750271 (VCV003750271.2).

ClinVar aggregate classification (germline): Uncertain significance (1 of 4 stars; one submission).

Conditions:
Neuropathy, hereditary sensory, type 2C. Also called: KIF1A-Related HSAN2 (HSAN2C); Hereditary sensory and autonomic neuropathy type IIC. Identifiers: Orphanet 970, MedGen C3280168, MONDO:0013634, OMIM 614213.
Hereditary spastic paraplegia 30. Identifiers: Orphanet 101010, MedGen C5235139, MONDO:0012476.
Intellectual disability, autosomal dominant 9 (NESCAVS). Also called: KIF1A-Related Neurodevelopmental Disorder; NESCAV SYNDROME. Identifiers: Orphanet 662367, MedGen C5393830, MONDO:0013656, OMIM 614255.

gnomAD v4.1: 1 of 1,589,248 alleles (0.000063%); highest among the groups gnomAD compares: African/African-American, 0.0013%; no homozygotes.

Submission:

Labcorp Genetics (formerly Invitae), Labcorp
Classification: Uncertain significance for Hereditary spastic paraplegia 30; Neuropathy, hereditary sensory, type 2C; Intellectual disability, autosomal dominant 9. Last evaluated: 2025-01-06. Review status: criteria provided, single submitter. Criteria: Invitae Variant Classification Sherloc (09022015). Collection method: clinical testing. Allele origin: germline.
Comment: This sequence change falls in intron 33 of the KIF1A gene. It does not directly change the encoded amino acid sequence of the KIF1A protein. This variant is not present in population databases (gnomAD no frequency). This variant has not been reported in the literature in individuals affected with KIF1A-related conditions. Algorithms developed to predict the effect of sequence changes on RNA splicing suggest that this variant may create or strengthen a splice site. In summary, the available evidence is currently insufficient to determine the role of this variant in disease. Therefore, it has been classified as a Variant of Uncertain Significance.